The following is an entry in ClinVar:

NM_001039591.3(USP9X):c.5296G>A (p.Ala1766Thr)

Gene: USP9X (ubiquitin specific peptidase 9 X-linked; plus strand). Cytogenetic location: Xp11.4.
Variant type: single nucleotide variant.
Coding change: c.5296G>A on transcript NM_001039591.3 (MANE Select); coding-DNA position 5296, G replaced by A.
Protein change: p.Ala1766Thr; replaces alanine 1766 with threonine.
Molecular consequence: missense variant.
Genome position (GRCh38, 1-based): chrX:41,214,674, G>A. VCF-style: chrX-41214674-G-A. GRCh37 (hg19) VCF-style: chrX-41073927-G-A.
Other names: c.5296G>A, p.Ala1766Thr (NM_001039590.3); c.5311G>A, p.Ala1771Thr (NM_001410748.1, NM_001410749.1); short protein forms A1766T, A1771T.
Identifiers: ClinVar variation 1803336 (VCV001803336.3), dbSNP rs1443229685, ClinGen allele CA412788341.

ClinVar aggregate classification (germline): Uncertain significance. Review status: criteria provided, multiple submitters, no conflicts (2 of 4 stars). 2 submissions from 2 submitters: Uncertain significance (2). Last evaluated 2024-10-03.

Submissions (2):

Labcorp Genetics (formerly Invitae), Labcorp
Classification: Uncertain significance. Last evaluated: 2024-10-03. Review status: criteria provided, single submitter. Criteria: Invitae Variant Classification Sherloc (09022015). Collection method: clinical testing. Allele origin: germline.
Comment: This sequence change replaces alanine, which is neutral and non-polar, with threonine, which is neutral and polar, at codon 1766 of the USP9X protein (p.Ala1766Thr). This variant is not present in population databases (gnomAD no frequency). This variant has not been reported in the literature in individuals affected with USP9X-related conditions. ClinVar contains an entry for this variant (Variation ID: 1803336). An algorithm developed to predict the effect of missense changes on protein structure and function (PolyPhen-2) suggests that this variant is likely to be disruptive. Algorithms developed to predict the effect of sequence changes on RNA splicing suggest that this variant may create or strengthen a splice site. In summary, the available evidence is currently insufficient to determine the role of this variant in disease. Therefore, it has been classified as a Variant of Uncertain Significance.

GeneDx
Classification: Uncertain significance. Last evaluated: 2022-06-06. Review status: criteria provided, single submitter. Criteria: GeneDx Variant Classification Process June 2021. Collection method: clinical testing. Allele origin: germline. Affected: yes.
Comment: Not observed at significant frequency in large population cohorts (gnomAD); In silico analysis supports that this missense variant has a deleterious effect on splicing and protein structure/function; Has not been previously published as pathogenic or benign to our knowledge